The following is an entry in ClinVar:

ClinVar aggregate classification (germline): Uncertain significance (1 of 4 stars; one submission).

Conditions:
Catecholaminergic polymorphic ventricular tachycardia 1. Also called: VENTRICULAR TACHYCARDIA, CATECHOLAMINERGIC POLYMORPHIC, 1, WITH OR WITHOUT ATRIAL DYSFUNCTION AND/OR DILATED CARDIOMYOPATHY; RYR2-Related Catecholaminergic Polymorphic Ventricular Tachycardia; VENTRICULAR TACHYCARDIA, STRESS-INDUCED POLYMORPHIC 1. Identifiers: Orphanet 3286, MedGen C1631597, MONDO:0011484, OMIM 604772.

Submission:

Labcorp Genetics (formerly Invitae), Labcorp
Classification: Uncertain significance for Catecholaminergic polymorphic ventricular tachycardia 1. Last evaluated: 2024-04-03. Review status: criteria provided, single submitter. Criteria: Invitae Variant Classification Sherloc (09022015). Collection method: clinical testing. Allele origin: germline.
Comment: This sequence change replaces asparagine, which is neutral and polar, with threonine, which is neutral and polar, at codon 4914 of the RYR2 protein (p.Asn4914Thr). This variant is not present in population databases (gnomAD no frequency). This variant has not been reported in the literature in individuals affected with RYR2-related conditions. Advanced modeling of protein sequence and biophysical properties (such as structural, functional, and spatial information, amino acid conservation, physicochemical variation, residue mobility, and thermodynamic stability) performed at Invitae indicates that this missense variant is expected to disrupt RYR2 protein function with a positive predictive value of 95%. In summary, the available evidence is currently insufficient to determine the role of this variant in disease. Therefore, it has been classified as a Variant of Uncertain Significance.

NM_001035.3(RYR2):c.14741A>C (p.Asn4914Thr)

Gene: RYR2 (ryanodine receptor 2; plus strand). Cytogenetic location: 1q43.
Variant type: single nucleotide variant.
Coding change: c.14741A>C on transcript NM_001035.3 (MANE Select); coding-DNA position 14741, A replaced by C.
Protein change: p.Asn4914Thr; replaces asparagine 4914 with threonine.
Molecular consequence: missense variant.
Genome position (GRCh38, 1-based): chr1:237,830,615, A>C. VCF-style: chr1-237830615-A-C. GRCh37 (hg19) VCF-style: chr1-237993915-A-C.
Other names: short protein forms N4914T.
Identifiers: ClinVar variation 3633851 (VCV003633851.2).